The following is an entry in ClinVar:

NM_033028.5(BBS4):c.1048A>C (p.Asn350His)

Gene: BBS4 (Bardet-Biedl syndrome 4; plus strand). Cytogenetic location: 15q24.1.
Variant type: single nucleotide variant.
Coding change: c.1048A>C on transcript NM_033028.5 (MANE Select); coding-DNA position 1048, A replaced by C.
Protein change: p.Asn350His; replaces asparagine 350 with histidine.
Molecular consequence: missense variant. On other transcripts: non-coding transcript variant (2).
Genome position (GRCh38, 1-based): chr15:72,735,124, A>C. VCF-style: chr15-72735124-A-C. GRCh37 (hg19) VCF-style: chr15-73027465-A-C.
Other names: c.532A>C, p.Asn178His (NM_001252678.2); c.979A>C, p.Asn327His (NM_001320665.2); short protein forms N178H, N327H, N350H.
Identifiers: ClinVar variation 3355249 (VCV003355249.1).

ClinVar aggregate classification (germline): Uncertain significance (0 of 4 stars; one submission).

Conditions:
BBS4-related disorder. Also called: BBS4-related condition.

gnomAD v4.1: 7 of 1,613,610 alleles (0.00043%); highest among the groups gnomAD compares: African/African-American, 0.0093%; no homozygotes.

Submission:

PreventionGenetics, part of Exact Sciences
Classification: Uncertain significance for BBS4-related condition. Last evaluated: 2024-01-17. Review status: no assertion criteria provided. Collection method: clinical testing. Allele origin: germline.
Comment: The BBS4 c.1048A>C variant is predicted to result in the amino acid substitution p.Asn350His. To our knowledge, this variant has not been reported in the literature. This variant is reported in 0.037% of alleles in individuals of African descent in gnomAD. At this time, the clinical significance of this variant is uncertain due to the absence of conclusive functional and genetic evidence.